The following is an entry in ClinVar:

NM_005477.3(HCN4):c.3034G>T (p.Gly1012Trp)

Gene: HCN4 (hyperpolarization activated cyclic nucleotide gated potassium channel 4; minus strand). Cytogenetic location: 15q24.1.
Variant type: single nucleotide variant.
Coding change: c.3034G>T on transcript NM_005477.3 (MANE Select); coding-DNA position 3034, G replaced by T.
Protein change: p.Gly1012Trp; replaces glycine 1012 with tryptophan.
Molecular consequence: missense variant.
Genome position (GRCh38, 1-based): chr15:73,323,059, C>A on the plus strand (G>T on the coding strand, the complement: HCN4 is on the minus strand). VCF-style: chr15-73323059-C-A. GRCh37 (hg19) VCF-style: chr15-73615400-C-A.
Other names: short protein forms G1012W.
Identifiers: ClinVar variation 3283649 (VCV003283649.2).

ClinVar aggregate classification (germline): Uncertain significance. Review status: criteria provided, multiple submitters, no conflicts (2 of 4 stars). 2 submissions from 2 submitters: Uncertain significance (2). Last evaluated 2025-07-20.

Conditions:
Brugada syndrome 8 (BRGDA8). Identifiers: Orphanet 130, MedGen C2751083, MONDO:0013148, OMIM 613123.
Cardiovascular phenotype. Identifiers: MedGen CN230736.

gnomAD v4.1: 2 of 1,536,684 alleles (0.00013%); highest among the groups gnomAD compares: Middle Eastern, 0.018%; no homozygotes.

Submissions (2):

Labcorp Genetics (formerly Invitae), Labcorp
Classification: Uncertain significance for Brugada syndrome 8. Last evaluated: 2025-07-20. Review status: criteria provided, single submitter. Criteria: Invitae Variant Classification Sherloc (09022015). Collection method: clinical testing. Allele origin: germline.
Comment: This sequence change replaces glycine, which is neutral and non-polar, with tryptophan, which is neutral and slightly polar, at codon 1012 of the HCN4 protein (p.Gly1012Trp). The frequency data for this variant in the population databases is considered unreliable, as metrics indicate poor data quality at this position in the gnomAD database. This variant has not been reported in the literature in individuals affected with HCN4-related conditions. ClinVar contains an entry for this variant (Variation ID: 3283649). Invitae Evidence Modeling of protein sequence and biophysical properties (such as structural, functional, and spatial information, amino acid conservation, physicochemical variation, residue mobility, and thermodynamic stability) indicates that this missense variant is not expected to disrupt HCN4 protein function with a negative predictive value of 95%. In summary, the available evidence is currently insufficient to determine the role of this variant in disease. Therefore, it has been classified as a Variant of Uncertain Significance.

Ambry Genetics
Classification: Uncertain significance for Cardiovascular phenotype. Last evaluated: 2024-03-31. Review status: criteria provided, single submitter. Criteria: Ambry Variant Classification Scheme 2023. Collection method: clinical testing. Allele origin: germline.
Comment: The p.G1012W variant (also known as c.3034G>T), located in coding exon 8 of the HCN4 gene, results from a G to T substitution at nucleotide position 3034. The glycine at codon 1012 is replaced by tryptophan, an amino acid with highly dissimilar properties. This amino acid position is conserved. In addition, the in silico prediction for this alteration is inconclusive. Based on the available evidence, the clinical significance of this alteration remains unclear.